The following is an entry in ClinVar:

ClinVar aggregate classification (germline): Uncertain significance (1 of 4 stars; one submission).

Conditions:
MIR17HG-related disorder. Also called: MIR17HG-related condition.

Submission:

PreventionGenetics, part of Exact Sciences
Classification: Uncertain significance for MIR17HG-related condition. Last evaluated: 2025-05-05. Review status: criteria provided, single submitter. Criteria: ACMG Guidelines, 2015. Collection method: clinical testing. Allele origin: germline.
Comment: The MIR17HG n.750dupT variant is predicted to result in an in-frame duplication (Non-Coding). To our knowledge, this variant has not been reported in the literature. This variant is reported in 0.13% of alleles in individuals of East Asian descent in gnomAD. Although we suspect that this variant may be benign, at this time, the clinical significance of this variant is uncertain due to the absence of conclusive functional and genetic evidence.

NR_197388.1(MIR17HG):n.498dup

Gene: MIR17HG (miR-17-92a-1 cluster host gene; plus strand). Cytogenetic location: 13q31.3.
Variant type: Duplication.
Molecular consequence: non-coding transcript variant (on NR_197388.1).
Genome position: GRCh38 VCF-style: chr13-91350299-G-GT. GRCh37 (hg19) VCF-style: chr13-92002553-G-GT.
Identifiers: ClinVar variation 4978715 (VCV004978715.1).
Genomic context (GRCh38, chr13:91,350,299, plus strand): 5'-TAAATTGCCTTTAAATGTTCCAAAATTAGTTCTCATTTATTTGCAGTCTCATTTTGTTTT[G>GT]TTTTTTTTCTCTATGTGTCAATCCATTTGGGAGAGGCCAGCCATTGGAAGAGCCACCACT-3'